The following is an entry in ClinVar:

NM_032444.4(SLX4):c.4936G>C (p.Glu1646Gln)

Gene: SLX4 (SLX4 structure-specific endonuclease subunit; minus strand). Cytogenetic location: 16p13.3.
Variant type: single nucleotide variant.
Coding change: c.4936G>C on transcript NM_032444.4 (MANE Select); coding-DNA position 4936, G replaced by C.
Protein change: p.Glu1646Gln; replaces glutamic acid 1646 with glutamine.
Molecular consequence: missense variant.
Genome position (GRCh38, 1-based): chr16:3,583,314, C>G on the plus strand (G>C on the coding strand, the complement: SLX4 is on the minus strand). VCF-style: chr16-3583314-C-G. GRCh37 (hg19) VCF-style: chr16-3633315-C-G.
Other names: short protein forms E1646Q.
Identifiers: ClinVar variation 1979289 (VCV001979289.3), dbSNP rs757073761, ClinGen allele CA7865460.

ClinVar aggregate classification (germline): Uncertain significance. Review status: criteria provided, multiple submitters, no conflicts (2 of 4 stars). 2 submissions from 2 submitters: Uncertain significance (2). Last evaluated 2024-01-25.

Conditions:
Fanconi anemia (FA). Also called: Fanconi's anemia. Identifiers: Orphanet 84, MedGen C0015625, MeSH D005199, MONDO:0019391.
Fanconi anemia complementation group P. Also called: SLX4-Related Fanconi Anemia. Identifiers: Orphanet 84, MedGen C3469542, MONDO:0013499, OMIM 613951.

Allele frequency attached by ClinVar (database versions not stated): ExAC 0.00001.

Submissions (2):

Fulgent Genetics
Classification: Uncertain significance for Fanconi anemia complementation group P. Last evaluated: 2024-01-25. Review status: criteria provided, single submitter. Criteria: ACMG Guidelines, 2015. Collection method: clinical testing. Allele origin: germline.

Labcorp Genetics (formerly Invitae), Labcorp
Classification: Uncertain significance for Fanconi anemia. Last evaluated: 2022-10-08. Review status: criteria provided, single submitter. Criteria: Invitae Variant Classification Sherloc (09022015). Collection method: clinical testing. Allele origin: germline.
Comment: Algorithms developed to predict the effect of missense changes on protein structure and function output the following: SIFT: "Tolerated"; PolyPhen-2: "Benign"; Align-GVGD: "Class C0". The glutamine amino acid residue is found in multiple mammalian species, which suggests that this missense change does not adversely affect protein function. This variant has not been reported in the literature in individuals affected with SLX4-related conditions. This variant is present in population databases (rs757073761, gnomAD 0.007%). This sequence change replaces glutamic acid, which is acidic and polar, with glutamine, which is neutral and polar, at codon 1646 of the SLX4 protein (p.Glu1646Gln). In summary, the available evidence is currently insufficient to determine the role of this variant in disease. Therefore, it has been classified as a Variant of Uncertain Significance.